The following is an entry in ClinVar:

GRCh37/hg19 16p13.3(chr16:3704963-3716018)x1

Genes: DNASE1 (deoxyribonuclease 1; plus strand), TRAP1 (TNF receptor associated protein 1; minus strand). Cytogenetic location: 16p13.3.
Variant type: copy number loss.
Change: copy number 1 (one copy instead of two) of chr16:3,704,963-3,716,018 (11.1 kb, GRCh37 coordinates, 1-based), cytogenetic band 16p13.3.
Identifiers: ClinVar variation 393832 (VCV000393832.3).

ClinVar aggregate classification (germline): conflicting data from submitters (0 of 4 stars; one submission).

Submission:

ISCA Site 6
Classification: conflicting data from submitters. Review status: no assertion criteria provided. Collection method: clinical testing. Allele origin: unknown. Affected: yes. Observed: 2 variant alleles.
Comment: Uncertain significance(1), Likely benign (1)

Copy number variation identified through the course of routine clinical cytogenomic testing in postnatal populations, with clinical assertions as classified by the original submitter. For data from the original published study, Kaminsky, et al. 2011 (PubMed 21844811), please see nstd101.